The following is an entry in ClinVar:

ClinVar aggregate classification (germline): Uncertain significance. Review status: criteria provided, multiple submitters, no conflicts (2 of 4 stars). 5 submissions from 5 submitters: Uncertain significance (3). 2 of the submissions do not count toward it. Last evaluated 2024-08-09.

Conditions:
Dilated cardiomyopathy 1G (CMD1G). Identifiers: Orphanet 154, MedGen C1858763, MONDO:0011400, OMIM 604145.
Autosomal recessive limb-girdle muscular dystrophy type 2J (LGMDR10). Also called: MUSCULAR DYSTROPHY, LIMB-GIRDLE, AUTOSOMAL RECESSIVE 10; Limb-girdle muscular dystrophy, type 2J. Identifiers: Orphanet 140922, MedGen C1837342, MONDO:0012127, OMIM 608807.

Allele frequency attached by ClinVar (database versions not stated): gnomAD exomes 0.00002 and 0.00001; gnomAD 0.00001; ExAC 0.00002.
gnomAD v4.1: 24 of 1,612,834 alleles (0.0015%); highest among the groups gnomAD compares: Non-Finnish European, 0.002%; no homozygotes.

Submissions (5):

Labcorp Genetics (formerly Invitae), Labcorp
Classification: Uncertain significance for Dilated cardiomyopathy 1G; Autosomal recessive limb-girdle muscular dystrophy type 2J. Last evaluated: 2024-08-09. Review status: criteria provided, single submitter. Criteria: Invitae Variant Classification Sherloc (09022015). Collection method: clinical testing. Allele origin: germline.
Comment: This sequence change replaces valine, which is neutral and non-polar, with methionine, which is neutral and non-polar, at codon 11194 of the TTN protein (p.Val11194Met). This variant also falls at the last nucleotide of exon 140, which is part of the consensus splice site for this exon. This variant is present in population databases (rs778695102, gnomAD 0.003%). This missense change has been observed in individual(s) with clinical features of TTN-related conditions (PMID: 32277046). ClinVar contains an entry for this variant (Variation ID: 202360). Experimental studies and prediction algorithms are not available or were not evaluated, and the functional significance of this variant is currently unknown. Variants that disrupt the consensus splice site are a relatively common cause of aberrant splicing (PMID: 17576681, 9536098). Algorithms developed to predict the effect of sequence changes on RNA splicing suggest that this variant may disrupt the consensus splice site. This variant is located in the I band of TTN (PMID: 25589632). Non-truncating variants in this region may be clinically relevant, but have not been definitively shown to cause cardiomyopathy or neuromuscular disease (PMID: 27493940, 32778822). In summary, the available evidence is currently insufficient to determine the role of this variant in disease. Therefore, it has been classified as a Variant of Uncertain Significance.

Mayo Clinic Laboratories, Mayo Clinic
Classification: Uncertain significance. Last evaluated: 2021-02-11. Review status: criteria provided, single submitter. Criteria: ACMG Guidelines, 2015. Collection method: clinical testing. Allele origin: germline. Observed: 1 variant allele.

GeneDx
Classification: Uncertain significance. Last evaluated: 2014-06-03. Review status: criteria provided, single submitter. Criteria: GeneDx Variant Classification (06012015). Collection method: clinical testing. Allele origin: germline. Affected: yes.
Comment: p.Val10877Met (GTG>ATG): c.32629 G>A in exon 138 of the TTN gene (NM_001256850.1). The c.32629 G>A variant has not been published as a mutation, nor has it been reported as a benign polymorphism to our knowledge. The wild type G nucleotide at position c.32629 is the final (3') nucleotide of exon 138, and therefore resides at the exon/intron splice junction. This variant is predicted by in silico algorithms to abolish the natural splice donor site, which may cause abnormal gene splicing that may lead to either an abnormal message that is subject to nonsense-mediated mRNA decay or to an abnormal protein product if the message is used for protein translation. This variant was not observed in approximately 6,000 individuals of European and African American ancestry in the NHLBI Exome Sequencing Project, indicating it is not a common benign variant in these populations. However, this variant is not located in the A-band region of titin, where the majority of truncating mutations associated with DCM have been reported (Herman D et al., 2012). Therefore, based on the currently available information, it is unclear whether this variant is a pathogenic mutation or a rare benign variant. The variant is found in DCM-CRDM panel(s).

Clinical Genetics DNA and cytogenetics Diagnostics Lab, Erasmus MC, Erasmus Medical Center
Classification: Uncertain significance. Review status: no assertion criteria provided. Collection method: clinical testing. Allele origin: germline. Affected: yes. Study: VKGL Data-share Consensus. Not counted in ClinVar's aggregate classification.

Clinical Genetics, Academic Medical Center
Classification: Uncertain significance. Review status: no assertion criteria provided. Collection method: clinical testing. Allele origin: germline. Affected: yes. Study: VKGL Data-share Consensus. Not counted in ClinVar's aggregate classification.

Literature cited by the submitters: PubMed 32277046 (cited by Labcorp Genetics (formerly Invitae), Labcorp); PubMed 17576681 (cited by Labcorp Genetics (formerly Invitae), Labcorp); PubMed 9536098 (cited by Labcorp Genetics (formerly Invitae), Labcorp); PubMed 25589632 (cited by Labcorp Genetics (formerly Invitae), Labcorp); PubMed 27493940 (cited by Labcorp Genetics (formerly Invitae), Labcorp); PubMed 32778822 (cited by Labcorp Genetics (formerly Invitae), Labcorp).

NM_001267550.2(TTN):c.33580G>A (p.Val11194Met)

Gene: TTN (titin; minus strand). Cytogenetic location: 2q31.2.
Variant type: single nucleotide variant.
Coding change: c.33580G>A on transcript NM_001267550.2 (MANE Select); coding-DNA position 33580, G replaced by A.
Protein change: p.Val11194Met; replaces valine 11194 with methionine.
Molecular consequence: missense variant. On other transcripts: intron variant (3).
Genome position (GRCh38, 1-based): chr2:178,679,894, C>T on the plus strand (G>A on the coding strand, the complement: TTN is on the minus strand). VCF-style: chr2-178679894-C-T. GRCh37 (hg19) VCF-style: chr2-179544621-C-T.
Other names: p.V10877M:GTG>ATG; c.32629G>A, p.Val10877Met (NM_001256850.1); c.29848G>A, p.Val9950Met (NM_133378.4); c.13283-37577G>A (NM_003319.4); c.13859-37577G>A (NM_133437.4); c.13658-37577G>A (NM_133432.3); short protein forms V10877M, V11194M, V9950M.
Identifiers: ClinVar variation 202360 (VCV000202360.15), dbSNP rs778695102, ClinGen allele CA309197.